The following is an entry in ClinVar:

NM_170601.5(SIAE):c.1321A>C (p.Ile441Leu)

Gene: SIAE (sialic acid acetylesterase; minus strand). Cytogenetic location: 11q24.2.
Variant type: single nucleotide variant.
Coding change: c.1321A>C on transcript NM_170601.5 (MANE Select); coding-DNA position 1321, A replaced by C.
Protein change: p.Ile441Leu; replaces isoleucine 441 with leucine.
Molecular consequence: missense variant.
Genome position (GRCh38, 1-based): chr11:124,637,202, T>G on the plus strand (A>C on the coding strand, the complement: SIAE is on the minus strand). VCF-style: chr11-124637202-T-G. GRCh37 (hg19) VCF-style: chr11-124507098-T-G.
Other names: c.1216A>C, p.Ile406Leu (NM_001199922.2); c.1321A>C (NM_170601.4); short protein forms I406L, I441L.
Identifiers: ClinVar variation 2712259 (VCV002712259.4), dbSNP rs767937574, ClinGen allele CA6341202.
Genomic context (GRCh38, chr11:124,637,202, plus strand): 5'-TGGAGACGGTGTTCATAGAAGCTGGAAGCCACTTGCATCGATGGTCACTGCAACAGGAGA[T>G]CTAATAAGAGAGCCATAAAATAGGAATGATTAGGTCAGAAGGGTCTTCCAAGAAACTGGG-3'
Protein context (NP_733746.1, residues 431-451): VQKKDNKIFE[Ile441Leu]SCCSDHRCKW

ClinVar aggregate classification (germline): Uncertain significance. Review status: criteria provided, multiple submitters, no conflicts (2 of 4 stars). 2 submissions from 2 submitters: Uncertain significance (2). Last evaluated 2025-11-02.

Allele frequency attached by ClinVar (database versions not stated): gnomAD 0.00002; ExAC 0.00005.
gnomAD v4.1: 38 of 1,613,836 alleles (0.0024%); highest among the groups gnomAD compares: Non-Finnish European, 0.0019%; 1 homozygote.

Submissions (2):

Ambry Genetics
Classification: Uncertain significance. Last evaluated: 2025-11-02. Review status: criteria provided, single submitter. Criteria: Ambry Variant Classification Scheme 2023. Collection method: clinical testing. Allele origin: germline.

Labcorp Genetics (formerly Invitae), Labcorp
Classification: Uncertain significance. Last evaluated: 2025-08-23. Review status: criteria provided, single submitter. Criteria: Invitae Variant Classification Sherloc (09022015). Collection method: clinical testing. Allele origin: germline.
Comment: This sequence change replaces isoleucine, which is neutral and non-polar, with leucine, which is neutral and non-polar, at codon 441 of the SIAE protein (p.Ile441Leu). This variant is present in population databases (rs767937574, gnomAD 0.02%). This variant has not been reported in the literature in individuals affected with SIAE-related conditions. ClinVar contains an entry for this variant (Variation ID: 2712259). An algorithm developed to predict the effect of missense changes on protein structure and function (PolyPhen-2) suggests that this variant is likely to be tolerated. Algorithms developed to predict the effect of sequence changes on RNA splicing suggest that this variant may disrupt the consensus splice site. In summary, the available evidence is currently insufficient to determine the role of this variant in disease. Therefore, it has been classified as a Variant of Uncertain Significance.